The following is an entry in ClinVar:

ClinVar aggregate classification (germline): Uncertain significance. Review status: criteria provided, multiple submitters, no conflicts (2 of 4 stars). 2 submissions from 2 submitters: Uncertain significance (2). Last evaluated 2025-09-18.

Conditions:
Cardiovascular phenotype. Identifiers: MedGen CN230736.

gnomAD v4.1: 2 of 1,613,720 alleles (0.00012%); highest among the groups gnomAD compares: Non-Finnish European, 0.00017%; no homozygotes.

Submissions (2):

Ambry Genetics
Classification: Uncertain significance for Cardiovascular phenotype. Last evaluated: 2025-09-18. Review status: criteria provided, single submitter. Criteria: Ambry Variant Classification Scheme 2023. Collection method: clinical testing. Allele origin: germline.
Comment: The p.A1391V variant (also known as c.4172C>T), located in coding exon 27 of the MYH6 gene, results from a C to T substitution at nucleotide position 4172. The alanine at codon 1391 is replaced by valine, an amino acid with similar properties. This amino acid position is highly conserved in available vertebrate species. In addition, the in silico prediction for this alteration is inconclusive. Based on the available evidence, the clinical significance of this variant remains unclear.

Clinical Genomics Laboratory, Stanford Medicine
Classification: Uncertain significance. Last evaluated: 2023-01-13. Review status: criteria provided, single submitter. Criteria: ACMG Guidelines, 2015. Collection method: clinical testing. Allele origin: germline. Observed: 1 variant allele, 1 heterozygote.
Comment: The p.Ala1391Val variant in the MYH6 gene has not been previously reported in association with disease. This variant was absent from large population databases, including the Genome Aggregation Database. Computational tools predict that this variant is deleterious; however, the accuracy of in silico algorithms is limited. These data were assessed using the ACMG/AMP variant interpretation guidelines. In summary, the significance of the p.Ala1391Val variant is uncertain. Additional information is needed to resolve the significance of this variant. [ACMG evidence codes used: PM2; PP3]

NM_002471.4(MYH6):c.4172C>T (p.Ala1391Val)

Gene: MYH6 (myosin heavy chain 6; minus strand). Cytogenetic location: 14q11.2.
Variant type: single nucleotide variant.
Coding change: c.4172C>T on transcript NM_002471.4 (MANE Select); coding-DNA position 4172, C replaced by T.
Protein change: p.Ala1391Val; replaces alanine 1391 with valine.
Molecular consequence: missense variant.
Genome position (GRCh38, 1-based): chr14:23,388,862, G>A on the plus strand (C>T on the coding strand, the complement: MYH6 is on the minus strand). VCF-style: chr14-23388862-G-A. GRCh37 (hg19) VCF-style: chr14-23858071-G-A.
Other names: short protein forms A1391V.
Identifiers: ClinVar variation 3777027 (VCV003777027.2).